The following is an entry in ClinVar:

ClinVar aggregate classification (germline): Uncertain significance (1 of 4 stars; one submission).

Submission:

Women's Health and Genetics/Laboratory Corporation of America, LabCorp
Classification: Uncertain significance. Last evaluated: 2024-07-08. Review status: criteria provided, single submitter. Criteria: LabCorp Variant Classification Summary - May 2015. Collection method: clinical testing. Allele origin: germline.
Comment: Variant summary: ATR c.6319+3A>G alters a conserved nucleotide located close to a canonical splice site and therefore could affect mRNA splicing, leading to a significantly altered protein sequence. Several computational tools predict a significant impact on normal splicing: Four predict the variant abolishes or weakens a 5' splicing donor site. However, these predictions have yet to be confirmed by functional studies. The variant was absent in 247326 control chromosomes. The available data on variant occurrences in the general population are insufficient to allow any conclusion about variant significance. To our knowledge, no occurrence of c.6319+3A>G in individuals affected with Seckel Syndrome 1 and no experimental evidence demonstrating its impact on protein function have been reported. No submitters have cited clinical-significance assessments for this variant to ClinVar. Based on the evidence outlined above, the variant was classified as uncertain significance.

NM_001184.4(ATR):c.6319+3A>G

Gene: ATR (ATR serine/threonine kinase; minus strand). Cytogenetic location: 3q23.
Variant type: single nucleotide variant.
Coding change: c.6319+3A>G on transcript NM_001184.4 (MANE Select); 3 bases into the intron after coding-DNA position 6319, A replaced by G.
Molecular consequence: intron variant.
Genome position (GRCh38, 1-based): chr3:142,470,083, T>C on the plus strand (A>G on the coding strand, the complement: ATR is on the minus strand). VCF-style: chr3-142470083-T-C. GRCh37 (hg19) VCF-style: chr3-142188925-T-C.
Other names: c.6127+3A>G (NM_001354579.2).
Identifiers: ClinVar variation 3339072 (VCV003339072.1).